The following is an entry in ClinVar:

NM_032578.4(MYPN):c.133G>A (p.Gly45Ser)

Gene: MYPN (myopalladin; plus strand). Cytogenetic location: 10q21.3.
Variant type: single nucleotide variant.
Coding change: c.133G>A on transcript NM_032578.4 (MANE Select); coding-DNA position 133, G replaced by A.
Protein change: p.Gly45Ser; replaces glycine 45 with serine.
Molecular consequence: missense variant. On other transcripts: 5 prime UTR variant (1), non-coding transcript variant (1).
Genome position (GRCh38, 1-based): chr10:68,121,571, G>A. VCF-style: chr10-68121571-G-A. GRCh37 (hg19) VCF-style: chr10-69881328-G-A.
Other names: c.133G>A, p.Gly45Ser (NM_001256267.2); c.-990G>A (NM_001256268.2); short protein forms G45S.
Identifiers: ClinVar variation 544032 (VCV000544032.10), dbSNP rs1297861595, ClinGen allele CA377103674.
Genomic context (GRCh38, chr10:68,121,571, plus strand): 5'-AGACATCGGGGAAACAATGAGAGGAGTCGAGCGGAGCCCTCCTCCAACCCTTGCCATTTC[G>A]GCAGTCCTTCTGGGGCCGCTGAAGGAGGCGGAGGCCAAGATGACCTTCCAGATCTTTCAG-3'
Protein context (NP_115967.2, residues 35-55): AEPSSNPCHF[Gly45Ser]SPSGAAEGGG

ClinVar aggregate classification (germline): Uncertain significance. Review status: criteria provided, multiple submitters, no conflicts (2 of 4 stars). 2 submissions from 2 submitters: Uncertain significance (2). Last evaluated 2021-10-29.

Conditions:
Cardiovascular phenotype. Identifiers: MedGen CN230736.
Dilated cardiomyopathy 1KK (CMD1KK). Identifiers: Orphanet 154, Orphanet 75249, MedGen C3714995, MONDO:0014100, OMIM 615248.

gnomAD v4.1: 16 of 1,614,154 alleles (0.00099%); highest among the groups gnomAD compares: African/African-American, 0.0013%; no homozygotes.

Submissions (2):

Ambry Genetics
Classification: Uncertain significance for Cardiovascular phenotype. Last evaluated: 2021-10-29. Review status: criteria provided, single submitter. Criteria: Ambry Variant Classification Scheme 2023. Collection method: clinical testing. Allele origin: germline.
Comment: The p.G45S variant (also known as c.133G>A), located in coding exon 1 of the MYPN gene, results from a G to A substitution at nucleotide position 133. The glycine at codon 45 is replaced by serine, an amino acid with similar properties. This amino acid position is conserved. In addition, this alteration is predicted to be tolerated by in silico analysis. Since supporting evidence is limited at this time, the clinical significance of this alteration remains unclear.

Labcorp Genetics (formerly Invitae), Labcorp
Classification: Uncertain significance for Dilated cardiomyopathy 1KK. Last evaluated: 2021-05-03. Review status: criteria provided, single submitter. Criteria: Invitae Variant Classification Sherloc (09022015). Collection method: clinical testing. Allele origin: germline.
Comment: This sequence change replaces glycine with serine at codon 45 of the MYPN protein (p.Gly45Ser). The glycine residue is weakly conserved and there is a small physicochemical difference between glycine and serine. This variant is not present in population databases (ExAC no frequency). This variant has not been reported in the literature in individuals with MYPN-related disease. Algorithms developed to predict the effect of missense changes on protein structure and function output the following: SIFT: "Tolerated"; PolyPhen-2: "Benign"; Align-GVGD: "Class C0". The serine amino acid residue is found in multiple mammalian species, suggesting that this missense change does not adversely affect protein function. These predictions have not been confirmed by published functional studies and their clinical significance is uncertain. Algorithms developed to predict the effect of sequence changes on RNA splicing suggest that this variant may create or strengthen a splice site, but this prediction has not been confirmed by published transcriptional studies. In summary, the available evidence is currently insufficient to determine the role of this variant in disease. Therefore, it has been classified as a Variant of Uncertain Significance.